The following is an entry in ClinVar:

NM_001023.4(RPS20):c.327A>C (p.Gly109=)

Gene: RPS20 (ribosomal protein S20; minus strand). Cytogenetic location: 8q12.1.
Variant type: single nucleotide variant.
Coding change: c.327A>C on transcript NM_001023.4 (MANE Select); coding-DNA position 327, A replaced by C.
Protein change: p.Gly109=; no amino-acid change (glycine 109 retained).
Molecular consequence: synonymous variant.
Genome position (GRCh38, 1-based): chr8:56,073,123, T>G on the plus strand (A>C on the coding strand, the complement: RPS20 is on the minus strand). VCF-style: chr8-56073123-T-G. GRCh37 (hg19) VCF-style: chr8-56985682-T-G.
Other names: c.327A>C, p.Gly109= (NM_001146227.3).
Identifiers: ClinVar variation 4579499 (VCV004579499.2).
Genomic context (GRCh38, chr8:56,073,123, plus strand): 5'-GGTCATCAATTTATTAAAATAGTTGACTTAAGCATCTGCAATGGTGACTTCCACCTCAAC[T>G]CCTGGCTCAATACTGATGGAAGTAATCTGCTTAACAATCTCAGAAGGACTGTGCAAGTCA-3'
Protein context (NP_001014.1, residues 99-119): KQITSISIEP[Gly109=]VEVEVTIADA

ClinVar aggregate classification (germline): Benign/Likely benign. Review status: criteria provided, multiple submitters, no conflicts (2 of 4 stars). 2 submissions from 2 submitters: Benign (1); Likely benign (1). Last evaluated 2026-08-04.

Conditions:
Familial colorectal cancer type X. Identifiers: Orphanet 440437, MedGen C3896578, MONDO:0018604.

gnomAD v4.1: 1 of 1,597,536 alleles (0.000063%); highest among the groups gnomAD compares: Non-Finnish European, 0.000085%; no homozygotes.

Submissions (2):

Myriad Genetics, Inc.
Classification: Benign for Familial colorectal cancer type X. Last evaluated: 2026-08-04. Review status: criteria provided, single submitter. Criteria: Myriad Autosomal Dominant, Autosomal Recessive and X-Linked Classification Criteria (2023). Collection method: clinical testing. Allele origin: unknown.
Comment: This variant is considered benign. This variant is a silent/synonymous amino acid change and it is not expected to impact splicing.

Ambry Genetics
Classification: Likely benign. Last evaluated: 2025-09-27. Review status: criteria provided, single submitter. Criteria: Ambry Variant Classification Scheme 2023. Collection method: clinical testing. Allele origin: germline.